The following is an entry in ClinVar:

ClinVar aggregate classification (germline): Uncertain significance (1 of 4 stars; one submission).

Submission:

Labcorp Genetics (formerly Invitae), Labcorp
Classification: Uncertain significance. Last evaluated: 2024-12-30. Review status: criteria provided, single submitter. Criteria: Invitae Variant Classification Sherloc (09022015). Collection method: clinical testing. Allele origin: germline.
Comment: This sequence change falls in intron 18 of the HMCN1 gene. It does not directly change the encoded amino acid sequence of the HMCN1 protein. It affects a nucleotide within the consensus splice site. This variant is not present in population databases (gnomAD no frequency). This variant has not been reported in the literature in individuals affected with HMCN1-related conditions. Variants that disrupt the consensus splice site are a relatively common cause of aberrant splicing (PMID: 17576681, 9536098). Algorithms developed to predict the effect of sequence changes on RNA splicing suggest that this variant may disrupt the consensus splice site. In summary, the available evidence is currently insufficient to determine the role of this variant in disease. Therefore, it has been classified as a Variant of Uncertain Significance.

Literature cited by the submitters: PubMed 17576681; PubMed 9536098.

NM_031935.3(HMCN1):c.2790+4A>T

Gene: HMCN1 (hemicentin 1; plus strand). Cytogenetic location: 1q31.1.
Variant type: single nucleotide variant.
Coding change: c.2790+4A>T on transcript NM_031935.3 (MANE Select); 4 bases into the intron after coding-DNA position 2790, A replaced by T.
Molecular consequence: intron variant.
Genome position (GRCh38, 1-based): chr1:185,982,393, A>T. VCF-style: chr1-185982393-A-T. GRCh37 (hg19) VCF-style: chr1-185951525-A-T.
Identifiers: ClinVar variation 3727789 (VCV003727789.2).
Genomic context (GRCh38, chr1:185,982,393, plus strand): 5'-ACTCTGTTAGCTGGAAATCCCATTCCAGAACGTCGGTGGATTAAGAATTCAGCTATGGTA[A>T]GAACATTTTAAATGCATGCATTCACATTCTTTTGTGAGTTTTCTTTTCTTTTTTTTTTTT-3'